The following is an entry in ClinVar:

ClinVar aggregate classification (germline): Uncertain significance (1 of 4 stars; one submission).

Allele frequency attached by ClinVar (database versions not stated): TOPMed below 0.00001; gnomAD 0.00001.
gnomAD v4.1: 1 of 1,609,260 alleles (0.000062%); highest among the groups gnomAD compares: South Asian, 0.0011%; no homozygotes.

Submission:

Labcorp Genetics (formerly Invitae), Labcorp
Classification: Uncertain significance. Last evaluated: 2022-05-29. Review status: criteria provided, single submitter. Criteria: Invitae Variant Classification Sherloc (09022015). Collection method: clinical testing. Allele origin: germline.
Comment: This sequence change replaces threonine, which is neutral and polar, with alanine, which is neutral and non-polar, at codon 290 of the IFT88 protein (p.Thr290Ala). This variant is not present in population databases (gnomAD no frequency). This variant has not been reported in the literature in individuals affected with IFT88-related conditions. Algorithms developed to predict the effect of missense changes on protein structure and function are either unavailable or do not agree on the potential impact of this missense change (SIFT: "Not Available"; PolyPhen-2: "Benign"; Align-GVGD: "Not Available"). In summary, the available evidence is currently insufficient to determine the role of this variant in disease. Therefore, it has been classified as a Variant of Uncertain Significance.

NM_006531.5(IFT88):c.841A>G (p.Thr281Ala)

Gene: IFT88 (intraflagellar transport 88; plus strand). Cytogenetic location: 13q12.11.
Variant type: single nucleotide variant.
Coding change: c.841A>G on transcript NM_006531.5 (MANE Select); coding-DNA position 841, A replaced by G.
Protein change: p.Thr281Ala; replaces threonine 281 with alanine.
Molecular consequence: missense variant. On other transcripts: non-coding transcript variant (5).
Genome position (GRCh38, 1-based): chr13:20,601,733, A>G. VCF-style: chr13-20601733-A-G. GRCh37 (hg19) VCF-style: chr13-21175872-A-G.
Other names: c.868A>G, p.Thr290Ala (NM_001353569.2, NM_001353570.2, NM_001353576.2 and 6 more transcripts); c.841A>G, p.Thr281Ala (NM_001353571.2, NM_001353572.2, NM_001353578.2 and 1 more transcripts); c.784A>G, p.Thr262Ala (NM_001353573.2, NM_001353574.2, NM_001353575.2 and 1 more transcripts); c.208A>G, p.Thr70Ala (NM_001353579.2); short protein forms T290A, T70A, T262A, T281A.
Identifiers: ClinVar variation 2000770 (VCV002000770.4), dbSNP rs2042621375, ClinGen allele CA387474375.